The following is an entry in ClinVar:

ClinVar aggregate classification (germline): Likely pathogenic (1 of 4 stars; one submission).

Conditions:
Autosomal recessive Alport syndrome (ATS2). Also called: COL4A3-Related Nephropathy; COL4A4 Alport Syndrome and Thin Basement Membrane Nephropathy; ALPORT SYNDROME 2, AUTOSOMAL RECESSIVE; Alport syndrome type 2. Identifiers: Orphanet 63, Orphanet 88919, MedGen C4746745, MONDO:0008762, OMIM 203780.

Submission:

Myriad Genetics, Inc.
Classification: Likely pathogenic for Autosomal recessive Alport syndrome. Last evaluated: 2021-11-14. Review status: criteria provided, single submitter. Criteria: Myriad Women's Health Autosomal Recessive and X-Linked Classification Criteria (2021). Collection method: clinical testing. Allele origin: unknown.
Comment: NM_000091.4(COL4A3):c.3915delC(R1306Efs*12) is expected to be pathogenic in the context of COL4A3-related Alport syndrome. This variant is predicted to lead to an abnormal or absent protein product due to the creation of a premature termination codon in COL4A3, a gene where loss-of-function variants are known to be pathogenic. Please note: this variant was assessed in the context of healthy population screening.

NM_000091.5(COL4A3):c.3915del (p.Arg1306fs)

Genes: MFF-DT (MFF divergent transcript; minus strand), COL4A3 (collagen type IV alpha 3 chain; plus strand). Cytogenetic location: 2q36.3.
Variant type: Deletion.
Coding change: c.3915del on transcript NM_000091.5 (MANE Select); coding-DNA position 3915, one base deleted (C; older notation c.3915delC).
Protein change: p.Arg1306fs; shifts the reading frame from arginine 1306.
Molecular consequence: frameshift variant.
Genome position (GRCh38, 1-based): chr2:227,303,070, C deleted; the last of 3 consecutive C bases (chr2:227,303,068-227,303,070); deleting any one gives the same sequence. VCF-style (leftmost placement, unchanged base first): chr2-227303067-AC-A. GRCh37 (hg19) VCF-style: chr2-228167783-AC-A.
Other names: short protein forms R1306fs.
Identifiers: ClinVar variation 1724494 (VCV001724494.2), dbSNP rs2469904884, ClinGen allele CA2580066004.